The following is an entry in ClinVar:

ClinVar aggregate classification (germline): Uncertain significance (1 of 4 stars; one submission).

Conditions:
Familial thoracic aortic aneurysm and aortic dissection (TAAD). Also called: Thoracic aortic aneurysms and dissections. Identifiers: Orphanet 91387, MedGen C4707243, MONDO:0019625.

Submission:

Labcorp Genetics (formerly Invitae), Labcorp
Classification: Uncertain significance for Familial thoracic aortic aneurysm and aortic dissection. Last evaluated: 2023-04-25. Review status: criteria provided, single submitter. Criteria: Invitae Variant Classification Sherloc (09022015). Collection method: clinical testing. Allele origin: germline.
Comment: ClinVar contains an entry for this variant (Variation ID: 1046093). This missense change has been observed in individual(s) with clinical features of TGFBR1-related conditions (Invitae). This variant is not present in population databases (gnomAD no frequency). This sequence change replaces histidine, which is basic and polar, with leucine, which is neutral and non-polar, at codon 331 of the TGFBR1 protein (p.His331Leu). In summary, the available evidence is currently insufficient to determine the role of this variant in disease. Therefore, it has been classified as a Variant of Uncertain Significance. This variant disrupts the p.His331 amino acid residue in TGFBR1. Other variant(s) that disrupt this residue have been observed in individuals with TGFBR1-related conditions (PMID: 29543232), which suggests that this may be a clinically significant amino acid residue. Advanced modeling of protein sequence and biophysical properties (such as structural, functional, and spatial information, amino acid conservation, physicochemical variation, residue mobility, and thermodynamic stability) performed at Invitae indicates that this missense variant is expected to disrupt TGFBR1 protein function.

Literature cited by the submitters: PubMed 29543232.

NM_004612.4(TGFBR1):c.992A>T (p.His331Leu)

Gene: TGFBR1 (transforming growth factor beta receptor 1; plus strand). Cytogenetic location: 9q22.33.
Variant type: single nucleotide variant.
Coding change: c.992A>T on transcript NM_004612.4 (MANE Select); coding-DNA position 992, A replaced by T.
Protein change: p.His331Leu; replaces histidine 331 with leucine.
Molecular consequence: missense variant.
Genome position (GRCh38, 1-based): chr9:99,144,750, A>T. VCF-style: chr9-99144750-A-T. GRCh37 (hg19) VCF-style: chr9-101907032-A-T.
Other names: c.761A>T, p.His254Leu (NM_001130916.3); c.1004A>T, p.His335Leu (NM_001306210.2); short protein forms H254L, H335L, H331L.
Identifiers: ClinVar variation 1046093 (VCV001046093.9), dbSNP rs1827738279, ClinGen allele CA374231254.